The following is an entry in ClinVar:

ClinVar aggregate classification (germline): Uncertain significance (1 of 4 stars; one submission).

Conditions:
Inborn genetic diseases. Identifiers: MedGen C0950123, MeSH D030342.

Submission:

Ambry Genetics
Classification: Uncertain significance for Inborn genetic diseases. Last evaluated: 2025-11-02. Review status: criteria provided, single submitter. Criteria: Ambry Variant Classification Scheme 2023. Collection method: clinical testing. Allele origin: germline.
Comment: The p.R281L variant (also known as c.842G>T), located in coding exon 2 of the SMAD6 gene, results from a G to T substitution at nucleotide position 842. The arginine at codon 281 is replaced by leucine, an amino acid with dissimilar properties. This amino acid position is conserved. In addition, this alteration is predicted to be deleterious by in silico analysis. Based on the available evidence, the clinical significance of this variant remains unclear.

NM_005585.5(SMAD6):c.842G>T (p.Arg281Leu)

Gene: SMAD6 (SMAD family member 6; plus strand). Cytogenetic location: 15q22.31.
Variant type: single nucleotide variant.
Coding change: c.842G>T on transcript NM_005585.5 (MANE Select); coding-DNA position 842, G replaced by T.
Protein change: p.Arg281Leu; replaces arginine 281 with leucine.
Molecular consequence: missense variant. On other transcripts: non-coding transcript variant (1).
Genome position (GRCh38, 1-based): chr15:66,711,692, G>T. VCF-style: chr15-66711692-G-T. GRCh37 (hg19) VCF-style: chr15-67004030-G-T.
Other names: short protein forms R281L.
Identifiers: ClinVar variation 4631603 (VCV004631603.1).